The following is an entry in ClinVar:

NM_000384.3(APOB):c.4163G>T (p.Arg1388Leu)

Gene: APOB (apolipoprotein B; minus strand). Cytogenetic location: 2p24.1.
Variant type: single nucleotide variant.
Coding change: c.4163G>T on transcript NM_000384.3 (MANE Select); coding-DNA position 4163, G replaced by T.
Protein change: p.Arg1388Leu; replaces arginine 1388 with leucine.
Molecular consequence: missense variant.
Genome position (GRCh38, 1-based): chr2:21,013,213, C>A on the plus strand (G>T on the coding strand, the complement: APOB is on the minus strand). VCF-style: chr2-21013213-C-A. GRCh37 (hg19) VCF-style: chr2-21236085-C-A.
Other names: short protein forms R1388L.
Identifiers: ClinVar variation 4532935 (VCV004532935.1).

ClinVar aggregate classification (germline): Uncertain significance (1 of 4 stars; one submission).

gnomAD v4.1: 3 of 1,614,124 alleles (0.00019%); highest among the groups gnomAD compares: Non-Finnish European, 0.00025%; no homozygotes.

Submission:

Quest Diagnostics Nichols Institute San Juan Capistrano
Classification: Uncertain significance. Last evaluated: 2025-09-29. Review status: criteria provided, single submitter. Criteria: Quest Diagnostics criteria. Collection method: clinical testing. Allele origin: unknown.
Comment: The APOB c.4163G>T (p.Arg1388Leu) variant has not been reported in individuals with APOB-related conditions in the published literature. This variant also has not been reported in large, multi-ethnic general populations (Genome Aggregation Database). Analysis of this variant using bioinformatics tools for the prediction of the effect of amino acid changes on protein structure and function yielded predictions that this variant is benign. Based on the available information, we are unable to determine the clinical significance of this variant.